The following is an entry in ClinVar:

ClinVar aggregate classification (germline): Uncertain significance (0 of 4 stars; one submission).

Conditions:
ACAN-related disorder. Also called: ACAN-related condition; ACAN-related disorders.

Submission:

PreventionGenetics, part of Exact Sciences
Classification: Uncertain significance for ACAN-related condition. Last evaluated: 2024-04-15. Review status: no assertion criteria provided. Collection method: clinical testing. Allele origin: germline.
Comment: The ACAN c.1289C>T variant is predicted to result in the amino acid substitution p.Ala430Val. To our knowledge, this variant has not been reported in the literature or in a large population database, indicating this variant is rare. At this time, the clinical significance of this variant is uncertain due to the absence of conclusive functional and genetic evidence.

NM_001369268.1(ACAN):c.1289C>T (p.Ala430Val)

Gene: ACAN (aggrecan; plus strand). Cytogenetic location: 15q26.1.
Variant type: single nucleotide variant.
Coding change: c.1289C>T on transcript NM_001369268.1 (MANE Select); coding-DNA position 1289, C replaced by T.
Protein change: p.Ala430Val; replaces alanine 430 with valine.
Molecular consequence: missense variant.
Genome position (GRCh38, 1-based): chr15:88,845,742, C>T. VCF-style: chr15-88845742-C-T. GRCh37 (hg19) VCF-style: chr15-89388973-C-T.
Other names: c.1289C>T, p.Ala430Val (NM_001135.4, NM_001411096.1, NM_001411097.1 and 1 more transcripts); short protein forms A430V.
Identifiers: ClinVar variation 3351897 (VCV003351897.1).
Genomic context (GRCh38, chr15:88,845,742, plus strand): 5'-GTCCCCTGGAACCCGAGGAGCCCTTCACGTTTGCCCCTGAAATAGGGGCCACTGCCTTCG[C>T]TGAGGTTGAGAATGAGACTGGAGAGGCCACCAGGCCCTGGGGCTTTCCCACACCTGGCCT-3'
Protein context (NP_001356197.1, residues 420-440): FAPEIGATAF[Ala430Val]EVENETGEAT